The following is an entry in ClinVar:

ClinVar aggregate classification (germline): not provided (0 of 4 stars; one submission).

Conditions:
Familial cold autoinflammatory syndrome 1 (FCAS1). Also called: CRYOPYRIN-ASSOCIATED PERIODIC SYNDROME 1; Familial cold inflammatory syndrome 1. Identifiers: Orphanet 47045, MedGen C4551895, MONDO:0007349, OMIM 120100.

Submission:

Unité médicale des maladies autoinflammatoires, CHRU Montpellier
No classification provided. Condition: Familial cold urticaria. Review status: no classification provided. Collection method: not provided. Allele origin: unknown.
Comment: also involved in OMIM 191900 and 607115

NM_001243133.2(NLRP3):c.994A>G (p.Ser332Gly)

Gene: NLRP3 (NLR family pyrin domain containing 3; plus strand). Cytogenetic location: 1q44.
Variant type: single nucleotide variant.
Coding change: c.994A>G on transcript NM_001243133.2 (MANE Select); coding-DNA position 994, A replaced by G.
Protein change: p.Ser332Gly; replaces serine 332 with glycine.
Molecular consequence: missense variant.
Genome position (GRCh38, 1-based): chr1:247,424,443, A>G. VCF-style: chr1-247424443-A-G. GRCh37 (hg19) VCF-style: chr1-247587745-A-G.
Other names: c.994A>G, p.Ser332Gly (NM_001079821.3, NM_001127461.3, NM_001127462.3 and 1 more transcripts); c.1000A>G, p.Ser334Gly (NM_004895.5); short protein forms S334G, S332G.
Identifiers: ClinVar variation 97812 (VCV000097812.1), dbSNP rs672601258, ClinGen allele CA281110.
Genomic context (GRCh38, chr1:247,424,443, plus strand): 5'-CACATAGGACCGCTCTGCACTGACTGGCAGAAGGCCGAGCGGGGAGACATTCTCCTGAGC[A>G]GCCTCATCAGAAAGAAGCTGCTTCCCGAGGCCTCTCTGCTCATCACCACGAGACCTGTGG-3'
Protein context (NP_001230062.1, residues 322-342): KAERGDILLS[Ser332Gly]LIRKKLLPEA